The following is an entry in ClinVar:

ClinVar aggregate classification (germline): Benign. Review status: criteria provided, single submitter (1 of 4 stars). 2 submissions from 2 submitters: Benign (1). 1 of the submissions does not count toward it. Last evaluated 2018-06-15.

Conditions:
Familial colorectal cancer. Identifiers: MedGen CN280943, MONDO:0023113. Disease mechanism: loss of function.

Allele frequency attached by ClinVar (database versions not stated): 1000 Genomes Project 0.06130; 1000 Genomes Project 30x 0.06230; gnomAD 0.04561 and 0.04326; TOPMed 0.04965; gnomAD exomes 0.00995.
gnomAD v4.1: 12,318 of 717,314 alleles (1.7%); highest among the groups gnomAD compares: African/African-American, 14%; 614 homozygotes.

Submissions (2):

GeneDx
Classification: Benign. Last evaluated: 2018-06-15. Review status: criteria provided, single submitter. Criteria: GeneDx Variant Classification (06012015). Collection method: clinical testing. Allele origin: germline. Affected: yes.
Comment: This variant is considered likely benign or benign based on one or more of the following criteria: it is a conservative change, it occurs at a poorly conserved position in the protein, it is predicted to be benign by multiple in silico algorithms, and/or has population frequency not consistent with disease.

Systems Biology Platform Zhejiang California International NanoSystems Institute
Classification: other for Familial colorectal cancer. Review status: no assertion criteria provided. Collection method: not provided. Allele origin: unknown. Not counted in ClinVar's aggregate classification.
ClinVar note: Converted during submission from cancer to other.

NM_000038.6(APC):c.645+129A>C

Gene: APC (APC regulator of WNT signaling pathway; plus strand). Cytogenetic location: 5q22.2.
Variant type: single nucleotide variant.
Coding change: c.645+129A>C on transcript NM_000038.6 (MANE Select); 129 bases into the intron after coding-DNA position 645, A replaced by C.
Molecular consequence: intron variant.
Genome position (GRCh38, 1-based): chr5:112,781,032, A>C. VCF-style: chr5-112781032-A-C. GRCh37 (hg19) VCF-style: chr5-112116729-A-C.
Other names: c.645+129A>C (NM_001354895.2, NM_001127510.3, NM_001354896.2 and 2 more transcripts); c.675+129A>C (NM_001354897.2, NM_001354902.2, NM_001127511.3); c.570+129A>C (NM_001354898.2, NM_001354904.2); c.-391+129A>C (NM_001354906.2); c.468+129A>C (NM_001354900.2, NM_001354901.2, NM_001354905.2).
Identifiers: ClinVar variation 82937 (VCV000082937.3), dbSNP rs2289485, ClinGen allele CA011218.